The following is an entry in ClinVar:

ClinVar aggregate classification (germline): Likely pathogenic (1 of 4 stars; one submission).

Conditions:
Lynch syndrome. Identifiers: Orphanet 144, MedGen C4552100, MONDO:0005835. Disease mechanism: loss of function.

Submission:

Labcorp Genetics (formerly Invitae), Labcorp
Classification: Likely pathogenic for Hereditary nonpolyposis colorectal neoplasms. Last evaluated: 2016-02-06. Review status: criteria provided, single submitter. Criteria: Invitae Variant Classification Sherloc (09022015). Collection method: clinical testing. Allele origin: germline.
Comment: This variant is a gross duplication of the genomic region encompassing exons 11 and 12 of the PMS2 gene. While the exact position of the duplicated exons cannot be determined from this data, the duplicated copy of this region is likely in tandem and may result in an absent or disrupted protein product. Truncating variants, including gross duplications, in PMS2 are known to be pathogenic (PMID: 21376568, 24362816). A similar duplication of exons 11 and 12 has been reported in the literature in patients subjected to hereditary cancer testing (PMID: 25512458). For these reasons, this variant has been classified as Likely Pathogenic.

NM_000535.6(PMS2):c.1145-?_2174+?dup1030

Gene: PMS2 (PMS1 homolog 2, mismatch repair system component; minus strand).
Variant type: Duplication.
Coding change: c.1145-?_2174+?dup1030 on transcript NM_000535.6.
Other names: c.1145-?_2174+?dup (LRG_161t1).
Identifiers: ClinVar variation 254093 (VCV000254093.1).